The following is an entry in ClinVar:

ClinVar aggregate classification (germline): Uncertain significance. Review status: criteria provided, multiple submitters, no conflicts (2 of 4 stars). 2 submissions from 2 submitters: Uncertain significance (2). Last evaluated 2023-12-27.

Conditions:
Hereditary cancer-predisposing syndrome. Also called: Neoplastic Syndromes, Hereditary; Tumor predisposition; Hereditary Cancer Syndrome; Hereditary neoplastic syndrome. Identifiers: Orphanet 140162, MedGen C0027672, MeSH D009386, MONDO:0015356.
Familial adenomatous polyposis 1 (FAP1). Also called: FAMILIAL ADENOMATOUS POLYPOSIS 1, ATTENUATED; POLYPOSIS, ADENOMATOUS INTESTINAL. Identifiers: MedGen C2713442, MONDO:0021056, OMIM 175100. Disease mechanism: loss of function.

Submissions (2):

Ambry Genetics
Classification: Uncertain significance for Hereditary cancer-predisposing syndrome. Last evaluated: 2023-12-27. Review status: criteria provided, single submitter. Criteria: Ambry Variant Classification Scheme 2023. Collection method: clinical testing. Allele origin: germline.
Comment: The p.D2100N variant (also known as c.6298G>A), located in coding exon 15 of the APC gene, results from a G to A substitution at nucleotide position 6298. The aspartic acid at codon 2100 is replaced by asparagine, an amino acid with highly similar properties. This amino acid position is highly conserved in available vertebrate species. In addition, in silico predictors for this gene do not accurately predict pathogenicity. Since supporting evidence is limited at this time, the clinical significance of this alteration remains unclear.

Labcorp Genetics (formerly Invitae), Labcorp
Classification: Uncertain significance for Familial adenomatous polyposis 1. Last evaluated: 2023-01-15. Review status: criteria provided, single submitter. Criteria: Invitae Variant Classification Sherloc (09022015). Collection method: clinical testing. Allele origin: germline.
Comment: In summary, the available evidence is currently insufficient to determine the role of this variant in disease. Therefore, it has been classified as a Variant of Uncertain Significance. Advanced modeling of protein sequence and biophysical properties (such as structural, functional, and spatial information, amino acid conservation, physicochemical variation, residue mobility, and thermodynamic stability) performed at Invitae indicates that this missense variant is not expected to disrupt APC protein function. This variant has not been reported in the literature in individuals affected with APC-related conditions. This variant is not present in population databases (gnomAD no frequency). This sequence change replaces aspartic acid, which is acidic and polar, with asparagine, which is neutral and polar, at codon 2100 of the APC protein (p.Asp2100Asn).

NM_000038.6(APC):c.6298G>A (p.Asp2100Asn)

Gene: APC (APC regulator of Wnt signaling pathway; plus strand). Cytogenetic location: 5q22.2.
Variant type: single nucleotide variant.
Coding change: c.6298G>A on transcript NM_000038.6 (MANE Select); coding-DNA position 6298, G replaced by A.
Protein change: p.Asp2100Asn; replaces aspartic acid 2100 with asparagine.
Molecular consequence: missense variant. On other transcripts: non-coding transcript variant (2).
Genome position (GRCh38, 1-based): chr5:112,841,892, G>A. VCF-style: chr5-112841892-G-A. GRCh37 (hg19) VCF-style: chr5-112177589-G-A.
Other names: c.6298G>A, p.Asp2100Asn (NM_001127510.3, NM_001354895.2, NM_001407450.1); c.6244G>A, p.Asp2082Asn (NM_001127511.3); c.6352G>A, p.Asp2118Asn (NM_001354896.2, NM_001407447.1, NM_001407448.1 and 1 more transcripts); c.6328G>A, p.Asp2110Asn (NM_001354897.2); c.6223G>A, p.Asp2075Asn (NM_001354898.2); c.6214G>A, p.Asp2072Asn (NM_001354899.2); c.6175G>A, p.Asp2059Asn (NM_001354900.2); c.6121G>A, p.Asp2041Asn (NM_001354901.2, NM_001407453.1); and 12 more; short protein forms D1716N, D1974N, D1999N, D2009N, D2017N, D2041N, D2082N, D2090N.
Identifiers: ClinVar variation 2828950 (VCV002828950.4), dbSNP rs1554087322, ClinGen allele CA16035121.